The following is an entry in ClinVar:

ClinVar aggregate classification (germline): Uncertain significance (1 of 4 stars; one submission).

Conditions:
Charcot-Marie-Tooth disease type 4. Also called: Charcot-Marie-Tooth disease, type IV; Charcot-Marie-Tooth, Type 4. Identifiers: Orphanet 64749, MedGen C4082197, MONDO:0018995.

Allele frequency attached by ClinVar (database versions not stated): TOPMed below 0.00001; gnomAD 0.00001.
gnomAD v4.1: 19 of 1,613,708 alleles (0.0012%); highest among the groups gnomAD compares: Non-Finnish European, 0.0016%; no homozygotes.

Submission:

Labcorp Genetics (formerly Invitae), Labcorp
Classification: Uncertain significance for Charcot-Marie-Tooth disease type 4. Last evaluated: 2020-12-26. Review status: criteria provided, single submitter. Criteria: Invitae Variant Classification Sherloc (09022015). Collection method: clinical testing. Allele origin: germline.
Comment: This sequence change replaces glutamine with leucine at codon 497 of the FIG4 protein (p.Gln497Leu). The glutamine residue is highly conserved and there is a moderate physicochemical difference between glutamine and leucine. This variant is not present in population databases (ExAC no frequency). This variant has not been reported in the literature in individuals with FIG4-related conditions. Algorithms developed to predict the effect of missense changes on protein structure and function are either unavailable or do not agree on the potential impact of this missense change (SIFT: "Deleterious"; PolyPhen-2: "Probably Damaging"; Align-GVGD: "Class C0"). In summary, the available evidence is currently insufficient to determine the role of this variant in disease. Therefore, it has been classified as a Variant of Uncertain Significance.

NM_014845.6(FIG4):c.1490A>T (p.Gln497Leu)

Gene: FIG4 (FIG4 phosphoinositide 5-phosphatase; plus strand). Cytogenetic location: 6q21.
Variant type: single nucleotide variant.
Coding change: c.1490A>T on transcript NM_014845.6 (MANE Select); coding-DNA position 1490, A replaced by T.
Protein change: p.Gln497Leu; replaces glutamine 497 with leucine.
Molecular consequence: missense variant.
Genome position (GRCh38, 1-based): chr6:109,765,068, A>T. VCF-style: chr6-109765068-A-T. GRCh37 (hg19) VCF-style: chr6-110086271-A-T.
Other names: short protein forms Q497L.
Identifiers: ClinVar variation 1389372 (VCV001389372.7), dbSNP rs748473120, ClinGen allele CA145158574.